The following is an entry in ClinVar:

NM_032043.3(BRIP1):c.3275C>A (p.Pro1092Gln)

Gene: BRIP1 (BRCA1 interacting DNA helicase 1; minus strand). Cytogenetic location: 17q23.2.
Variant type: single nucleotide variant.
Coding change: c.3275C>A on transcript NM_032043.3 (MANE Select); coding-DNA position 3275, C replaced by A.
Protein change: p.Pro1092Gln; replaces proline 1092 with glutamine.
Molecular consequence: missense variant.
Genome position (GRCh38, 1-based): chr17:61,683,771, G>T on the plus strand (C>A on the coding strand, the complement: BRIP1 is on the minus strand). VCF-style: chr17-61683771-G-T. GRCh37 (hg19) VCF-style: chr17-59761132-G-T.
Other names: short protein forms P1092Q.
Identifiers: ClinVar variation 491464 (VCV000491464.20), dbSNP rs587780830, ClinGen allele CA400479077.
Genomic context (GRCh38, chr17:61,683,771, plus strand): 5'-TCTTCTTCACTTACTAGAGACAATTCAATGTCTGGATCCAGGGCTTCTTCAGAACAGAGC[G>T]GATGTTCAGAATGATTTTTTCTAGTAAGGGTGGCATCAATCTTTAATGATGAAATAATGG-3'
Protein context (NP_114432.2, residues 1082-1102): TLTRKNHSEH[Pro1092Gln]LCSEEALDPD

ClinVar aggregate classification (germline): Conflicting classifications of pathogenicity. Review status: criteria provided, conflicting classifications (1 of 4 stars). 6 submissions from 6 submitters: Uncertain significance (4); Likely benign (2). Last evaluated 2025-11-27.

Conditions:
Hereditary cancer. Identifiers: MedGen C1333600.
Hereditary cancer-predisposing syndrome. Also called: Tumor predisposition; Hereditary neoplastic syndrome; Neoplastic Syndromes, Hereditary; Hereditary Cancer Syndrome. Identifiers: Orphanet 140162, MedGen C0027672, MeSH D009386, MONDO:0015356.
Familial cancer of breast. Also called: BREAST CANCER, FAMILIAL; hereditary breast carcinoma; Hereditary breast cancer. Identifiers: Orphanet 227535, MedGen C0346153, MONDO:0016419, OMIM 114480. Disease mechanism: loss of function.
Fanconi anemia complementation group J. Also called: BRIP1-Related Fanconi Anemia. Identifiers: Orphanet 84, MedGen C1836860, MONDO:0012187, OMIM 609054.

Allele frequency attached by ClinVar (database versions not stated): TOPMed 0.00001.

Submissions (6):

Dasa
Classification: Uncertain significance. Last evaluated: 2025-11-27. Review status: criteria provided, single submitter. Criteria: DASA Assertion Criteria. Collection method: clinical testing. Allele origin: germline.
Comment: NM_032043.3(BRIP1):c.3275C>A (p.Pro1092Gln) is a missense variant that results in the substitution of proline with glutamine. This variant is rare in population databases. Computational prediction algorithms are consistent with a benign effect. The currently available literature and clinical evidence are not sufficient to establish a definitive association between this variant and the reported condition. Therefore, this variant is classified as a variant of uncertain significance.

Labcorp Genetics (formerly Invitae), Labcorp
Classification: Uncertain significance for Familial cancer of breast; Fanconi anemia complementation group J. Last evaluated: 2025-07-25. Review status: criteria provided, single submitter. Criteria: Invitae Variant Classification Sherloc (09022015). Collection method: clinical testing. Allele origin: germline.
Comment: This sequence change replaces proline, which is neutral and non-polar, with glutamine, which is neutral and polar, at codon 1092 of the BRIP1 protein (p.Pro1092Gln). This variant is present in population databases (no rsID available, gnomAD 0.003%). This missense change has been observed in individual(s) with breast cancer and/or personal and/or family history of an unspecified cancer (PMID: 35534704; 28717660: 35264596). ClinVar contains an entry for this variant (Variation ID: 491464). Invitae Evidence Modeling of protein sequence and biophysical properties (such as structural, functional, and spatial information, amino acid conservation, physicochemical variation, residue mobility, and thermodynamic stability) indicates that this missense variant is not expected to disrupt BRIP1 protein function with a negative predictive value of 95%. In summary, the available evidence is currently insufficient to determine the role of this variant in disease. Therefore, it has been classified as a Variant of Uncertain Significance.

Mendelics
Classification: Likely benign for Hereditary cancer. Last evaluated: 2025-02-27. Review status: criteria provided, single submitter. Criteria: ACMG Guidelines, 2015. Collection method: clinical testing. Allele origin: unknown.
Comment: This variant is considered likely benign or benign based on one or more of the following: it is predicted to be benign by multiple in silico algorithms, and/or has population frequency not consistent with disease, and/or has normal protein function, and/or has lack of segregation with disease, and/or has been detected in co-occurrence with known pathogenic variant, and/or has lack of disease association in case-control studies, and/or is located in a region inconsistent with a known cause of pathogenicity.

Ambry Genetics
Classification: Likely benign for Hereditary cancer-predisposing syndrome. Last evaluated: 2024-03-05. Review status: criteria provided, single submitter. Criteria: Ambry Variant Classification Scheme 2023. Collection method: clinical testing. Allele origin: germline.

GeneDx
Classification: Uncertain significance. Last evaluated: 2023-06-05. Review status: criteria provided, single submitter. Criteria: GeneDx Variant Classification Process June 2021. Collection method: clinical testing. Allele origin: germline. Affected: yes.
Comment: Not observed at significant frequency in large population cohorts (gnomAD); In silico analysis supports that this missense variant does not alter protein structure/function; Observed in individuals with breast cancer (Guindalini et al., 2022); This variant is associated with the following publications: (PMID: 35264596, 28717660)

Color Diagnostics, LLC DBA Color Health
Classification: Uncertain significance for Hereditary cancer-predisposing syndrome. Last evaluated: 2019-04-25. Review status: criteria provided, single submitter. Criteria: ACMG Guidelines, 2015. Collection method: clinical testing. Allele origin: germline.

Literature cited by the submitters: PubMed 35534704 (cited by Labcorp Genetics (formerly Invitae), Labcorp); PubMed 28717660 (cited by Labcorp Genetics (formerly Invitae), Labcorp); PubMed 35264596 (cited by Labcorp Genetics (formerly Invitae), Labcorp).